The following is an entry in ClinVar:

NM_001378454.1(ALMS1):c.6811A>G (p.Asn2271Asp)

Gene: ALMS1 (ALMS1 centrosome and basal body associated protein; plus strand). Cytogenetic location: 2p13.1.
Variant type: single nucleotide variant.
Coding change: c.6811A>G on transcript NM_001378454.1 (MANE Select); coding-DNA position 6811, A replaced by G.
Protein change: p.Asn2271Asp; replaces asparagine 2271 with aspartic acid.
Molecular consequence: missense variant.
Genome position (GRCh38, 1-based): chr2:73,453,338, A>G. VCF-style: chr2-73453338-A-G. GRCh37 (hg19) VCF-style: chr2-73680465-A-G.
Other names: c.6814A>G, p.Asn2272Asp (NM_015120.4); short protein forms N2272D, N2271D.
Identifiers: ClinVar variation 568348 (VCV000568348.11), dbSNP rs1558651314, ClinGen allele CA347289469.
Genomic context (GRCh38, chr2:73,453,338, plus strand): 5'-GATGCAGAAAATAGTGCTAAAACTCTTAAGGAAATTCGGACACTTTTGATGGAGGCAGAA[A>G]ATATGGCACTGAAACGATGCAATTTTCCTGCTCCCCTTGCCCGTTTCAGAGATATTAGTG-3'
Protein context (NP_001365383.1, residues 2261-2281): EIRTLLMEAE[Asn2271Asp]MALKRCNFPA

ClinVar aggregate classification (germline): Uncertain significance. Review status: criteria provided, multiple submitters, no conflicts (2 of 4 stars). 5 submissions from 5 submitters: Uncertain significance (4). 1 of the submissions does not count toward it. Last evaluated 2025-09-23.

Conditions:
Cardiovascular phenotype. Identifiers: MedGen CN230736.
Alstrom syndrome (ALMS). Identifiers: Orphanet 64, MedGen C0268425, MONDO:0008763, OMIM 203800.

gnomAD v4.1: 1 of 1,613,924 alleles (0.000062%); highest among the groups gnomAD compares: East Asian, 0.0022%; no homozygotes.

Submissions (5):

GeneDx
Classification: Uncertain significance. Last evaluated: 2025-09-23. Review status: criteria provided, single submitter. Criteria: GeneDx Variant Classification Process June 2021. Collection method: clinical testing. Allele origin: germline.
Comment: Not observed at significant frequency in large population cohorts (gnomAD); In silico analysis supports that this missense variant has a deleterious effect on protein structure/function; This variant is associated with the following publications: (PMID: 25846608)

Ambry Genetics
Classification: Uncertain significance for Cardiovascular phenotype. Last evaluated: 2025-09-18. Review status: criteria provided, single submitter. Criteria: Ambry Variant Classification Scheme 2023. Collection method: clinical testing. Allele origin: germline.
Comment: The p.N2272D variant (also known as c.6814A>G), located in coding exon 8 of the ALMS1 gene, results from an A to G substitution at nucleotide position 6814. The asparagine at codon 2272 is replaced by aspartic acid, an amino acid with highly similar properties. This variant has been detected in the heterozygous state in an Alstrom syndrome cohort; however, details were limited (Marshall JD et al. Hum Mutat. 2015 Jul;36(7):660-8). This amino acid position is well conserved in available vertebrate species. In addition, this alteration is predicted to be tolerated by in silico analysis. Since supporting evidence is limited at this time, the clinical significance of this alteration remains unclear.

Labcorp Genetics (formerly Invitae), Labcorp
Classification: Uncertain significance for Alstrom syndrome. Last evaluated: 2022-06-27. Review status: criteria provided, single submitter. Criteria: Invitae Variant Classification Sherloc (09022015). Collection method: clinical testing. Allele origin: germline.
Comment: This sequence change replaces asparagine, which is neutral and polar, with aspartic acid, which is acidic and polar, at codon 2272 of the ALMS1 protein (p.Asn2272Asp). This variant is not present in population databases (gnomAD no frequency). This variant has not been reported in the literature in individuals affected with ALMS1-related conditions. ClinVar contains an entry for this variant (Variation ID: 568348). In summary, the available evidence is currently insufficient to determine the role of this variant in disease. Therefore, it has been classified as a Variant of Uncertain Significance.

Blueprint Genetics
Classification: Uncertain significance. Last evaluated: 2021-11-07. Review status: criteria provided, single submitter. Criteria: ACMG Guidelines, 2015. Collection method: clinical testing. Allele origin: germline.

Natera, Inc.
Classification: Uncertain significance for Alstrom syndrome. Last evaluated: 2020-09-16. Review status: no assertion criteria provided. Collection method: clinical testing. Allele origin: germline. Not counted in ClinVar's aggregate classification.

Literature cited by the submitters: PubMed 25846608 (cited by Ambry Genetics).